The following is an entry in ClinVar:

ClinVar aggregate classification (germline): Uncertain significance (1 of 4 stars; one submission).

Submission:

CeGaT Center for Human Genetics Tuebingen
Classification: Uncertain significance. Last evaluated: 2025-04-01. Review status: criteria provided, single submitter. Criteria: CeGaT Center For Human Genetics Tuebingen Variant Classification Criteria Version 2. Collection method: clinical testing. Allele origin: germline. Affected: yes. Observed: 1 variant allele.
Comment: HYDIN: PM2, PM3:Supporting

NM_001270974.2(HYDIN):c.4874C>T (p.Ser1625Leu)

Gene: HYDIN (HYDIN axonemal central pair apparatus protein; minus strand). Cytogenetic location: 16q22.2.
Variant type: single nucleotide variant.
Coding change: c.4874C>T on transcript NM_001270974.2 (MANE Select); coding-DNA position 4874, C replaced by T.
Protein change: p.Ser1625Leu; replaces serine 1625 with leucine.
Molecular consequence: missense variant.
Genome position (GRCh38, 1-based): chr16:70,974,569, G>A on the plus strand (C>T on the coding strand, the complement: HYDIN is on the minus strand). VCF-style: chr16-70974569-G-A. GRCh37 (hg19) VCF-style: chr16-71008472-G-A.
Other names: short protein forms S1625L.
Identifiers: ClinVar variation 3898516 (VCV003898516.7).